The following is an entry in ClinVar:

NM_018706.7(DHTKD1):c.247del (p.Leu83fs)

Gene: DHTKD1 (dehydrogenase E1 and transketolase domain containing 1; plus strand). Cytogenetic location: 10p14.
Variant type: Deletion.
Coding change: c.247del on transcript NM_018706.7 (MANE Select); coding-DNA position 247, one base deleted (C; older notation c.247delC).
Protein change: p.Leu83fs; shifts the reading frame from leucine 83.
Molecular consequence: frameshift variant.
Genome position (GRCh38, 1-based): chr10:12,081,564, C deleted. VCF-style (leftmost placement, unchanged base first): chr10-12081563-GC-G. GRCh37 (hg19) VCF-style: chr10-12123562-GC-G.
Other names: c.247delC (NM_018706.7); short protein forms L83fs.
Identifiers: ClinVar variation 3902629 (VCV003902629.1).

ClinVar aggregate classification (germline): Pathogenic (1 of 4 stars; one submission).

Conditions:
2-aminoadipic 2-oxoadipic aciduria (AAKAD). Also called: ALPHA-AMINOADIPIC AND ALPHA-KETOADIPIC ACIDURIA; Aminoadipic aciduria. Identifiers: Orphanet 79154, MedGen C1859817, MONDO:0008774, OMIM 204750.

Submission:

Women's Health and Genetics/Laboratory Corporation of America, LabCorp
Classification: Pathogenic for 2-aminoadipic 2-oxoadipic aciduria. Last evaluated: 2025-05-28. Review status: criteria provided, single submitter. Criteria: LabCorp Variant Classification Summary - May 2015. Collection method: clinical testing. Allele origin: germline.
Comment: Variant summary: DHTKD1 c.247delC (p.Leu83TrpfsX24) results in a premature termination codon, predicted to cause a truncation of the encoded protein or absence of the protein due to nonsense mediated decay, which are commonly known mechanisms for disease. The variant was absent in 251492 control chromosomes (gnomAD). To our knowledge, no occurrence of c.247delC in individuals affected with 2-aminoadipic 2-oxoadipic aciduria and no experimental evidence demonstrating its impact on protein function have been reported. No submitters have cited clinical-significance assessments for this variant to ClinVar. Based on the evidence outlined above, the variant was classified as pathogenic.